The following is an entry in ClinVar:

ClinVar aggregate classification (germline): Uncertain significance (1 of 4 stars; one submission).

Conditions:
Hereditary sensory and autonomic neuropathy type 7. Also called: HSAN VII; Neuropathy, hereditary sensory and autonomic, type VII. Identifiers: Orphanet 391397, MedGen C3809882, MONDO:0014244, OMIM 615548.
Familial episodic pain syndrome with predominantly lower limb involvement. Also called: Episodic pain syndrome, familial, 3. Identifiers: Orphanet 391384, Orphanet 391392, MedGen C3809899, MONDO:0014247, OMIM 615552.

gnomAD v4.1: 1 of 1,614,156 alleles (0.000062%); no homozygotes.

Submission:

Labcorp Genetics (formerly Invitae), Labcorp
Classification: Uncertain significance for Familial episodic pain syndrome with predominantly lower limb involvement; Hereditary sensory and autonomic neuropathy type 7. Last evaluated: 2024-09-21. Review status: criteria provided, single submitter. Criteria: Invitae Variant Classification Sherloc (09022015). Collection method: clinical testing. Allele origin: germline.
Comment: This sequence change affects codon 827 of the SCN11A mRNA. It is a 'silent' change, meaning that it does not change the encoded amino acid sequence of the SCN11A protein. This variant is not present in population databases (gnomAD no frequency). This variant has not been reported in the literature in individuals affected with SCN11A-related conditions. Algorithms developed to predict the effect of sequence changes on RNA splicing suggest that this variant may disrupt the consensus splice site. In summary, the available evidence is currently insufficient to determine the role of this variant in disease. Therefore, it has been classified as a Variant of Uncertain Significance.

NM_001349253.2(SCN11A):c.2481C>T (p.Ala827=)

Gene: SCN11A (sodium voltage-gated channel alpha subunit 11; minus strand). Cytogenetic location: 3p22.2.
Variant type: single nucleotide variant.
Coding change: c.2481C>T on transcript NM_001349253.2 (MANE Select); coding-DNA position 2481, C replaced by T.
Protein change: p.Ala827=; no amino-acid change (alanine 827 retained).
Molecular consequence: synonymous variant.
Genome position (GRCh38, 1-based): chr3:38,894,887, G>A on the plus strand (C>T on the coding strand, the complement: SCN11A is on the minus strand). VCF-style: chr3-38894887-G-A. GRCh37 (hg19) VCF-style: chr3-38936378-G-A.
Other names: c.2481C>T, p.Ala827= (NM_014139.3).
Identifiers: ClinVar variation 3750084 (VCV003750084.2).